The following is an entry in ClinVar:

ClinVar aggregate classification (germline): Benign/Likely benign. Review status: criteria provided, multiple submitters, no conflicts (2 of 4 stars). 4 submissions from 4 submitters: Benign (1); Likely benign (2). 1 of the submissions does not count toward it. Last evaluated 2026-02-02.

Conditions:
Combined deficiency of sialidase AND beta galactosidase (GSL). Also called: GOLDBERG SYNDROME; NEURAMINIDASE DEFICIENCY WITH BETA-GALACTOSIDASE DEFICIENCY; NEURAMINIDASE/BETA-GALACTOSIDASE EXPRESSION; PPCA DEFICIENCY; PROTECTIVE PROTEIN/CATHEPSIN A DEFICIENCY; Galactosialidosis. Identifiers: Orphanet 351, MedGen C0268233, MONDO:0009737, OMIM 256540.
CTSA-related disorder. Also called: CTSA-related condition.

Submissions (4):

Labcorp Genetics (formerly Invitae), Labcorp
Classification: Benign for Combined deficiency of sialidase AND beta galactosidase. Last evaluated: 2026-02-02. Review status: criteria provided, single submitter. Criteria: Invitae Variant Classification Sherloc (09022015). Collection method: clinical testing. Allele origin: germline.

Blueprint Genetics
Classification: Likely benign. Last evaluated: 2024-11-26. Review status: criteria provided, single submitter. Criteria: ACMG Guidelines, 2015. Collection method: clinical testing. Allele origin: germline.

Fulgent Genetics
Classification: Likely benign for Combined deficiency of sialidase AND beta galactosidase. Last evaluated: 2021-12-08. Review status: criteria provided, single submitter. Criteria: ACMG Guidelines, 2015. Collection method: clinical testing. Allele origin: unknown.

PreventionGenetics, part of Exact Sciences
Classification: Likely benign for CTSA-related condition. Last evaluated: 2020-07-03. Review status: no assertion criteria provided. Collection method: clinical testing. Allele origin: germline. Not counted in ClinVar's aggregate classification.
Comment: This variant is classified as likely benign based on ACMG/AMP sequence variant interpretation guidelines (Richards et al. 2015 PMID: 25741868, with internal and published modifications).

NM_000308.4(CTSA):c.33GCT[6] (p.Leu18_Leu19del)

Gene: CTSA (cathepsin A; plus strand). Cytogenetic location: 20q13.12.
Variant type: Microsatellite.
Coding change: c.33GCT[6] on transcript NM_000308.4 (MANE Select); six copies in a row of the 3-base unit GCT starting at c.33; the reference has eight copies in a row; two copies, 6 bases deleted; also written c.51_56del.
Protein change: p.Leu18_Leu19del.
Molecular consequence: inframe deletion. On other transcripts: non-coding transcript variant (1).
Genome position (GRCh38, 1-based): chr20:45,891,619-45,891,624, GCTGCT deleted; deleting any 6 consecutive bases within chr20:45,891,599-45,891,624 gives the same sequence; the position shown is the placement nearest the transcript's 3' end. VCF-style (leftmost placement, unchanged base first): chr20-45891598-CCTGCTG-C. GRCh37 (hg19) VCF-style: chr20-44520237-CCTGCTG-C.
Other names: c.105_110delGCTGCT (NM_000308.3); c.33GCT[6], p.Leu18_Leu19del (NM_001127695.3, NM_001167594.3); c.51_56del (NM_000308.4).
Identifiers: ClinVar variation 459631 (VCV000459631.14), dbSNP rs72555383, ClinGen allele CA9882896.
Genomic context (GRCh38, chr20:45,891,598, plus strand): 5'-GAGTCAACAGCCCCTCTGCTGCCTCCCGTAGATGATCCGAGCCGCGCCGCCGCCGCTGTT[CCTGCTG>C]CTGCTGCTGCTGCTGCTGCTAGTGTCCTGGGCGTCCCGAGGCGAGGCAGCCCCCGACCAG-3'